The following is an entry in ClinVar:

ClinVar aggregate classification (germline): Pathogenic (1 of 4 stars; one submission).

Submission:

Labcorp Genetics (formerly Invitae), Labcorp
Classification: Pathogenic. Last evaluated: 2021-11-16. Review status: criteria provided, single submitter. Criteria: Invitae Variant Classification Sherloc (09022015). Collection method: clinical testing. Allele origin: germline.
Comment: For these reasons, this variant has been classified as Pathogenic. This variant has not been reported in the literature in individuals affected with EFTUD2-related conditions. This variant is not present in population databases (gnomAD no frequency). This sequence change creates a premature translational stop signal (p.Cys468Leufs*2) in the EFTUD2 gene. It is expected to result in an absent or disrupted protein product. Loss-of-function variants in EFTUD2 are known to be pathogenic (PMID: 24999515, 26507355).

Literature cited by the submitters: PubMed 24999515; PubMed 26507355.

NM_004247.4(EFTUD2):c.1402dup (p.Cys468fs)

Gene: EFTUD2 (elongation factor Tu GTP binding domain containing 2; minus strand). Cytogenetic location: 17q21.31.
Variant type: Duplication.
Coding change: c.1402dup on transcript NM_004247.4 (MANE Select); coding-DNA position 1402, one base duplicated (T; older notation c.1402dupT).
Protein change: p.Cys468fs; shifts the reading frame from cysteine 468.
Molecular consequence: frameshift variant.
Genome position (GRCh38, 1-based): chr17:44,863,666, A duplicated on the plus strand (T on the coding strand, the reverse complement: EFTUD2 is on the minus strand). VCF-style (leftmost placement, unchanged base first): chr17-44863665-C-CA. GRCh37 (hg19) VCF-style: chr17-42941033-C-CA.
Other names: c.1297dup, p.Cys433fs (NM_001142605.2); c.1402dup, p.Cys468fs (NM_001258353.2); c.1372dup, p.Cys458fs (NM_001258354.2); short protein forms C433fs, C458fs, C468fs.
Identifiers: ClinVar variation 1433437 (VCV001433437.6), dbSNP rs2145473620, ClinGen allele CA2573153952.